The following is an entry in ClinVar:

ClinVar aggregate classification (germline): Uncertain significance (1 of 4 stars; one submission).

gnomAD v4.1: 4 of 1,569,696 alleles (0.00025%); highest among the groups gnomAD compares: South Asian, 0.0022%; no homozygotes.

Submission:

Labcorp Genetics (formerly Invitae), Labcorp
Classification: Uncertain significance. Last evaluated: 2025-11-24. Review status: criteria provided, single submitter. Criteria: Invitae Variant Classification Sherloc (09022015). Collection method: clinical testing. Allele origin: germline.
Comment: This sequence change replaces serine, which is neutral and polar, with asparagine, which is neutral and polar, at codon 304 of the IL12RB2 protein (p.Ser304Asn). This variant is present in population databases (no rsID available, gnomAD 0.003%). This variant has not been reported in the literature in individuals affected with IL12RB2-related conditions. ClinVar contains an entry for this variant (Variation ID: 1718402). An algorithm developed to predict the effect of missense changes on protein structure and function (PolyPhen-2) suggests that this variant is likely to be tolerated. In summary, the available evidence is currently insufficient to determine the role of this variant in disease. Therefore, it has been classified as a Variant of Uncertain Significance.

NM_001374259.2(IL12RB2):c.911G>A (p.Ser304Asn)

Gene: IL12RB2 (interleukin 12 receptor subunit beta 2; plus strand). Cytogenetic location: 1p31.3.
Variant type: single nucleotide variant.
Coding change: c.911G>A on transcript NM_001374259.2 (MANE Select); coding-DNA position 911, G replaced by A.
Protein change: p.Ser304Asn; replaces serine 304 with asparagine.
Molecular consequence: missense variant. On other transcripts: non-coding transcript variant (2).
Genome position (GRCh38, 1-based): chr1:67,330,763, G>A. VCF-style: chr1-67330763-G-A. GRCh37 (hg19) VCF-style: chr1-67796446-G-A.
Other names: c.911G>A, p.Ser304Asn (NM_001258214.1, NM_001258215.1, NM_001258216.1 and 2 more transcripts); short protein forms S304N.
Identifiers: ClinVar variation 1718402 (VCV001718402.5), dbSNP rs1475315532, ClinGen allele CA340734396.